The following is an entry in ClinVar:

ClinVar aggregate classification (germline): Uncertain significance (1 of 4 stars; one submission).

gnomAD v4.1: 1 of 1,611,830 alleles (0.000062%); highest among the groups gnomAD compares: Non-Finnish European, 0.000085%; no homozygotes.

Submission:

Ambry Genetics
Classification: Uncertain significance. Last evaluated: 2023-11-30. Review status: criteria provided, single submitter. Criteria: Ambry Variant Classification Scheme 2023. Collection method: clinical testing. Allele origin: germline.
Comment: The p.K287N variant (also known as c.861G>T), located in coding exon 9 of the STAP1 gene, results from a G to T substitution at nucleotide position 861. The lysine at codon 287 is replaced by asparagine, an amino acid with similar properties. This amino acid position is conserved. In addition, this alteration is predicted to be tolerated by in silico analysis. Since supporting evidence is limited at this time, the clinical significance of this alteration remains unclear.

NM_012108.4(STAP1):c.861G>T (p.Lys287Asn)

Gene: STAP1 (signal transducing adaptor family member 1; plus strand). Cytogenetic location: 4q13.2.
Variant type: single nucleotide variant.
Coding change: c.861G>T on transcript NM_012108.4 (MANE Select); coding-DNA position 861, G replaced by T.
Protein change: p.Lys287Asn; replaces lysine 287 with asparagine.
Molecular consequence: missense variant.
Genome position (GRCh38, 1-based): chr4:67,606,330, G>T. VCF-style: chr4-67606330-G-T. GRCh37 (hg19) VCF-style: chr4-68472048-G-T.
Other names: c.861G>T, p.Lys287Asn (NM_001317769.2); short protein forms K287N.
Identifiers: ClinVar variation 3226197 (VCV003226197.1), dbSNP rs748733607, ClinGen allele CA357041638.